The following is an entry in ClinVar:

ClinVar aggregate classification (germline): Benign (3 of 4 stars; one submission).

Conditions:
Breast-ovarian cancer, familial, susceptibility to, 1 (BROVCA1). Also called: BRCA1 Hereditary Breast and Ovarian Cancer; OVARIAN CANCER, SUSCEPTIBILITY TO. Identifiers: Orphanet 145, MedGen C2676676, MONDO:0011450, OMIM 604370. Disease mechanism: loss of function.

Allele frequency attached by ClinVar (database versions not stated): 1000 Genomes Project 0.00499; gnomAD 0.00072 and 0.00099; TOPMed 0.00111; 1000 Genomes Project 30x 0.00468.

Submission:

Evidence-based Network for the Interpretation of Germline Mutant Alleles (ENIGMA)
Classification: Benign for Breast-ovarian cancer, familial 1. Last evaluated: 2015-01-12. Review status: reviewed by expert panel. Criteria: ENIGMA BRCA1/2 Classification Criteria (2015). Collection method: curation. Allele origin: germline.
Comment: Class 1 not pathogenic based on frequency >1% in an outbred sampleset. Frequency 0.01748 (Asian), derived from 1000 genomes (2012-04-30).

NM_007294.4(BRCA1):c.441+1321G>A

Gene: BRCA1 (BRCA1 DNA repair associated; minus strand). Cytogenetic location: 17q21.31.
Variant type: single nucleotide variant.
Coding change: c.441+1321G>A on transcript NM_007294.4 (MANE Select); 1321 bases into the intron after coding-DNA position 441, G replaced by A.
Molecular consequence: intron variant.
Genome position (GRCh38, 1-based): chr17:43,102,801, C>T on the plus strand (G>A on the coding strand, the complement: BRCA1 is on the minus strand). VCF-style: chr17-43102801-C-T. GRCh37 (hg19) VCF-style: chr17-41254818-C-T.
Other names: IVS 7+1321G>A; c.231+1321G>A (NM_001407949.1, NM_001408506.1, NM_001408481.1 and 58 more transcripts); c.432+1321G>A (NM_001408408.1, NM_001407647.1, NM_001407646.1); c.441+1321G>A (NM_001408446.1, NM_001408435.1, NM_001407691.1 and 164 more transcripts); c.300+1321G>A (NM_001408468.1, NM_001407842.1, NM_001407749.1 and 99 more transcripts); c.-218-7941G>A (NM_001407966.1, NM_001407967.1); c.60+1321G>A (NM_001407963.1, NM_001407960.1, NM_001407965.1 and 4 more transcripts); c.363+1321G>A (NM_001408413.1, NM_001407660.1, NM_001407661.1 and 21 more transcripts); and 1 more.
Identifiers: ClinVar variation 209482 (VCV000209482.2), dbSNP rs149949159, ClinGen allele CA276452.